The following is an entry in ClinVar:

NM_000548.5(TSC2):c.4666A>G (p.Asn1556Asp)

Gene: TSC2 (TSC complex subunit 2; plus strand). Cytogenetic location: 16p13.3.
Variant type: single nucleotide variant.
Coding change: c.4666A>G on transcript NM_000548.5 (MANE Select); coding-DNA position 4666, A replaced by G.
Protein change: p.Asn1556Asp; replaces asparagine 1556 with aspartic acid.
Molecular consequence: missense variant.
Genome position (GRCh38, 1-based): chr16:2,086,196, A>G. VCF-style: chr16-2086196-A-G. GRCh37 (hg19) VCF-style: chr16-2136197-A-G.
Other names: c.4465A>G, p.Asn1489Asp (NM_001077183.3); c.4597A>G, p.Asn1533Asp (NM_001114382.3); c.4357A>G, p.Asn1453Asp (NM_001318827.2); c.4321A>G, p.Asn1441Asp (NM_001318829.2); c.3934A>G, p.Asn1312Asp (NM_001318831.2); c.4498A>G, p.Asn1500Asp (NM_001318832.2); c.4468A>G, p.Asn1490Asp (NM_001363528.2); c.4534A>G, p.Asn1512Asp (NM_001370404.1); and 1 more; short protein forms N1312D, N1441D, N1453D, N1489D, N1490D, N1500D, N1512D, N1513D.
Identifiers: ClinVar variation 1692505 (VCV001692505.5), dbSNP rs2151569260, ClinGen allele CA394306871.

ClinVar aggregate classification (germline): Uncertain significance. Review status: criteria provided, multiple submitters, no conflicts (2 of 4 stars). 3 submissions from 3 submitters: Uncertain significance (3). Last evaluated 2024-05-15.

Conditions:
Hereditary cancer-predisposing syndrome. Also called: Neoplastic Syndromes, Hereditary; Hereditary Cancer Syndrome; Tumor predisposition; Hereditary neoplastic syndrome. Identifiers: Orphanet 140162, MedGen C0027672, MeSH D009386, MONDO:0015356.
Tuberous sclerosis 2 (TSC2). Identifiers: Orphanet 805, MedGen C1860707, MONDO:0013199, OMIM 613254.

Submissions (3):

Labcorp Genetics (formerly Invitae), Labcorp
Classification: Uncertain significance for Tuberous sclerosis 2. Last evaluated: 2024-05-15. Review status: criteria provided, single submitter. Criteria: Invitae Variant Classification Sherloc (09022015). Collection method: clinical testing. Allele origin: germline.
Comment: This sequence change replaces asparagine, which is neutral and polar, with aspartic acid, which is acidic and polar, at codon 1556 of the TSC2 protein (p.Asn1556Asp). This variant is not present in population databases (gnomAD no frequency). This variant has not been reported in the literature in individuals affected with TSC2-related conditions. ClinVar contains an entry for this variant (Variation ID: 1692505). Advanced modeling of protein sequence and biophysical properties (such as structural, functional, and spatial information, amino acid conservation, physicochemical variation, residue mobility, and thermodynamic stability) performed at Invitae indicates that this missense variant is not expected to disrupt TSC2 protein function with a negative predictive value of 95%. In summary, the available evidence is currently insufficient to determine the role of this variant in disease. Therefore, it has been classified as a Variant of Uncertain Significance.

Sema4
Classification: Uncertain significance for Hereditary cancer-predisposing syndrome. Last evaluated: 2021-08-09. Review status: criteria provided, single submitter. Criteria: Sema4 Curation Guidelines. Collection method: curation. Allele origin: germline.
Comment: The TSC2 c.4666A>G (p.N1556D) variant has not been reported in the literature to our knowledge. It was not observed in the large and broad cohorts of the Genome Aggregation Database (PMID: 32461654) and has not been reported in ClinVar. Functional studies have not been performed, and in silico predictions of the variant's effect on protein function are inconclusive. The evidence is insufficient to meet ACMG/AMP criteria for classifying the variant as benign or pathogenic. Thus, the clinical significance of this variant is currently uncertain.

Ambry Genetics
Classification: Uncertain significance for Hereditary cancer-predisposing syndrome. Last evaluated: 2021-04-14. Review status: criteria provided, single submitter. Criteria: Ambry Variant Classification Scheme 2023. Collection method: clinical testing. Allele origin: germline.
Comment: The p.N1556D variant (also known as c.4666A>G), located in coding exon 36 of the TSC2 gene, results from an A to G substitution at nucleotide position 4666. The asparagine at codon 1556 is replaced by aspartic acid, an amino acid with highly similar properties. This amino acid position is poorly conserved in available vertebrate species. In addition, the in silico prediction for this alteration is inconclusive. Since supporting evidence is limited at this time, the clinical significance of this alteration remains unclear.